The following is an entry in ClinVar:

ClinVar aggregate classification (germline): Uncertain significance (1 of 4 stars; one submission).

Conditions:
Inborn genetic diseases. Identifiers: MedGen C0950123, MeSH D030342.

Submission:

Ambry Genetics
Classification: Uncertain significance for Inborn genetic diseases. Last evaluated: 2025-12-15. Review status: criteria provided, single submitter. Criteria: Ambry Variant Classification Scheme 2023. Collection method: clinical testing. Allele origin: germline.
Comment: The p.P585A variant (also known as c.1753C>G), located in coding exon 19 of the FANCA gene, results from a C to G substitution at nucleotide position 1753. The proline at codon 585 is replaced by alanine, an amino acid with highly similar properties. This amino acid position is conserved. In addition, this alteration is predicted to be deleterious by in silico analysis. Based on the available evidence, the clinical significance of this variant remains unclear.

NM_000135.4(FANCA):c.1753C>G (p.Pro585Ala)

Gene: FANCA (FA complementation group A; minus strand). Cytogenetic location: 16q24.3.
Variant type: single nucleotide variant.
Coding change: c.1753C>G on transcript NM_000135.4 (MANE Select); coding-DNA position 1753, C replaced by G.
Protein change: p.Pro585Ala; replaces proline 585 with alanine.
Molecular consequence: missense variant.
Genome position (GRCh38, 1-based): chr16:89,778,966, G>C on the plus strand (C>G on the coding strand, the complement: FANCA is on the minus strand). VCF-style: chr16-89778966-G-C. GRCh37 (hg19) VCF-style: chr16-89845374-G-C.
Other names: c.1753C>G, p.Pro585Ala (NM_001286167.3); short protein forms P585A.
Identifiers: ClinVar variation 4843004 (VCV004843004.1).
Genomic context (GRCh38, chr16:89,778,966, plus strand): 5'-CACAACTGGTCACAAACTCATGGAGACGCATACTGACCACTCGAGGTGTGAGCAGGGCGG[G>C]GAGGAAGTGGGACACGTAGTAAGGCCTCCTGAATATGCTGCAACACAGAGAAGCAGACAG-3'
Protein context (NP_000126.2, residues 575-595): RRPYYVSHFL[Pro585Ala]ALLTPRVLPK